The following is an entry in ClinVar:

ClinVar aggregate classification (germline): Benign. Review status: reviewed by expert panel (3 of 4 stars). 16 submissions from 16 submitters: Benign (1). 15 of the submissions do not count toward it. Last evaluated 2024-06-25.

Conditions:
Chuvash polycythemia. Also called: POLYCYTHEMIA, VHL-DEPENDENT. Identifiers: Orphanet 238557, MedGen C1837915, MONDO:0009892, OMIM 263400.
Von Hippel-Lindau syndrome (VHLS). Also called: von Hippel–Lindau syndrome; VHL syndrome; Von Hippel-Lindau. Identifiers: Orphanet 892, MedGen C0019562, MONDO:0008667, OMIM 193300. Disease mechanism: loss of function.
Pheochromocytoma. Also called: MAX-Related Hereditary Paraganglioma-Pheochromocytoma Syndrome. Identifiers: Orphanet 29072, MedGen C0031511, MONDO:0008233, OMIM 171300, HP:0002666.
Nonpapillary renal cell carcinoma. Identifiers: Orphanet 422526, MedGen CN074294, MONDO:0007763, OMIM 144700.
Hereditary cancer-predisposing syndrome. Also called: Neoplastic Syndromes, Hereditary; Tumor predisposition; Hereditary neoplastic syndrome; Hereditary Cancer Syndrome. Identifiers: Orphanet 140162, MedGen C0027672, MeSH D009386, MONDO:0015356.

Allele frequency attached by ClinVar (database versions not stated): 1000 Genomes Project 0.00040; ESP Exome Variant Server 0.00055; 1000 Genomes Project 30x 0.00062; gnomAD 0.00067; TOPMed 0.00071.
gnomAD v4.1: 1,589 of 1,598,720 alleles (0.099%); highest among the groups gnomAD compares: Middle Eastern, 0.23%; 3 homozygotes.

Submissions (16):

ClinGen VHL Variant Curation Expert Panel, ClinGen
Classification: Benign for Von Hippel-Lindau syndrome. Last evaluated: 2024-06-25. Review status: reviewed by expert panel. Criteria: ClinGen VHL VCEP ACMG Specifications VHL V1. Collection method: curation. Allele origin: germline. Inheritance: Autosomal dominant inheritance.
Comment: The variant NM_000551.3(VHL):c.183C>G (p.Pro61=) is a silent variant in the first exon of VHL. The GroupMax Filtering Allele Frequency (95% CI) in gnomAD v4.1.0 is 0.001902 (192/89258 from South Asian Population). This is higher than the ClinGen VHL VCEP threshold of >=0.000156 (0.0156%) threshold expected for VHL disease (BA1) and is classified as Benign for autosomal-dominant von Hippel-Lindau disease (VHL disease) based on the ACMG/AMP criteria applied, as specified by the ClinGen VHL VCEP Version 1.0 (Specifications approval date: 02/26/2024. Variant Approval Date 06/25/2024).

CeGaT Center for Human Genetics Tuebingen
Classification: Likely benign. Last evaluated: 2026-09-01. Review status: criteria provided, single submitter. Criteria: CeGaT Center For Human Genetics Tuebingen Variant Classification Criteria Version 2. Collection method: clinical testing. Allele origin: germline. Affected: yes. Observed: 27 variant alleles. Not counted in ClinVar's aggregate classification.
Comment: VHL: BP4, BP7

Labcorp Genetics (formerly Invitae), Labcorp
Classification: Benign for Von Hippel-Lindau syndrome; Chuvash polycythemia. Last evaluated: 2026-02-03. Review status: criteria provided, single submitter. Criteria: Invitae Variant Classification Sherloc (09022015). Collection method: clinical testing. Allele origin: germline. Not counted in ClinVar's aggregate classification.

Myriad Genetics, Inc.
Classification: Benign for Von Hippel-Lindau syndrome. Last evaluated: 2025-06-10. Review status: criteria provided, single submitter. Criteria: Myriad Autosomal Dominant, Autosomal Recessive and X-Linked Classification Criteria (2023). Collection method: clinical testing. Allele origin: unknown. Not counted in ClinVar's aggregate classification.
Comment: This variant is considered benign. This variant is a silent/synonymous amino acid change and it is not expected to impact splicing.

Center for Genomic Medicine, Rigshospitalet, Copenhagen University Hospital
Classification: Likely benign. Last evaluated: 2025-03-04. Review status: criteria provided, single submitter. Criteria: ACMG Guidelines, 2015. Collection method: clinical testing. Allele origin: germline. Not counted in ClinVar's aggregate classification.

ARUP Laboratories, Molecular Genetics and Genomics, ARUP Laboratories
Classification: Benign. Last evaluated: 2024-12-31. Review status: criteria provided, single submitter. Criteria: ARUP Molecular Germline Variant Investigation Process 2024. Collection method: clinical testing. Allele origin: germline. Not counted in ClinVar's aggregate classification.

Blueprint Genetics
Classification: Likely benign. Last evaluated: 2024-11-25. Review status: criteria provided, single submitter. Criteria: ACMG Guidelines, 2015. Collection method: clinical testing. Allele origin: germline. Not counted in ClinVar's aggregate classification.

Color Diagnostics, LLC DBA Color Health
Classification: Benign for Von Hippel-Lindau syndrome. Last evaluated: 2022-10-25. Review status: criteria provided, single submitter. Criteria: ACMG Guidelines, 2015. Collection method: clinical testing. Allele origin: germline. Not counted in ClinVar's aggregate classification.

Department of Pathology and Laboratory Medicine, Sinai Health System
Classification: Likely benign for Nonpapillary renal cell carcinoma; Pheochromocytoma; Von Hippel-Lindau syndrome; Chuvash polycythemia. Last evaluated: 2021-07-30. Review status: criteria provided, single submitter. Criteria: ACMG Guidelines, 2015. Collection method: clinical testing. Allele origin: germline. Affected: yes. Not counted in ClinVar's aggregate classification.

Women's Health and Genetics/Laboratory Corporation of America, LabCorp
Classification: Benign. Last evaluated: 2020-12-03. Review status: criteria provided, single submitter. Criteria: LabCorp Variant Classification Summary - May 2015. Collection method: clinical testing. Allele origin: germline. Not counted in ClinVar's aggregate classification.

Sema4
Classification: Benign for Hereditary cancer-predisposing syndrome. Last evaluated: 2020-10-12. Review status: criteria provided, single submitter. Criteria: Sema4 Curation Guidelines. Collection method: curation. Allele origin: germline. Not counted in ClinVar's aggregate classification.

Illumina Laboratory Services, Illumina
Classification: Likely benign for Von Hippel-Lindau syndrome. Last evaluated: 2018-12-17. Review status: criteria provided, single submitter. Criteria: ICSL Variant Classification Criteria 13 December 2019. Collection method: clinical testing. Allele origin: germline. Not counted in ClinVar's aggregate classification.
Comment: This variant was observed as part of a predisposition screen in an ostensibly healthy population. A literature search was performed for the gene, cDNA change, and amino acid change (where applicable). Publications were found based on this search. The evidence from the literature, in combination with allele frequency data from public databases where available, was sufficient to determine this variant is unlikely to cause disease. Therefore, this variant is classified as likely benign.

PreventionGenetics, part of Exact Sciences
Classification: Likely benign. Last evaluated: 2018-02-26. Review status: criteria provided, single submitter. Criteria: ACMG Guidelines, 2015. Collection method: clinical testing. Allele origin: germline. Not counted in ClinVar's aggregate classification.

Ambry Genetics
Classification: Likely benign for Hereditary cancer-predisposing syndrome. Last evaluated: 2014-11-25. Review status: criteria provided, single submitter. Criteria: Ambry Variant Classification Scheme 2023. Collection method: clinical testing. Allele origin: germline. Not counted in ClinVar's aggregate classification.

GeneDx
Classification: Benign. Last evaluated: 2014-09-08. Review status: criteria provided, single submitter. Criteria: GeneDx Variant Classification (06012015). Collection method: clinical testing. Allele origin: germline. Affected: yes. Not counted in ClinVar's aggregate classification.
Comment: This variant is considered likely benign or benign based on one or more of the following criteria: it is a conservative change, it occurs at a poorly conserved position in the protein, it is predicted to be benign by multiple in silico algorithms, and/or has population frequency not consistent with disease.

Eurofins Ntd Llc (ga)
Classification: Uncertain significance. Last evaluated: 2014-07-29. Review status: criteria provided, single submitter. Criteria: EGL Classification Definitions 2015. Collection method: clinical testing. Allele origin: germline. Observed: 2 variant alleles, 2 heterozygotes. Not counted in ClinVar's aggregate classification.

Literature cited by the submitters: PubMed 12624160 (cited by 4 submitters); PubMed 10408776 (cited by Women's Health and Genetics/Laboratory Corporation of America, LabCorp); PubMed 16488999 (cited by Women's Health and Genetics/Laboratory Corporation of America, LabCorp).

NM_000551.4(VHL):c.183C>G (p.Pro61=)

Gene: VHL (von Hippel-Lindau tumor suppressor; plus strand). Cytogenetic location: 3p25.3.
Variant type: single nucleotide variant.
Coding change: c.183C>G on transcript NM_000551.4 (MANE Select); coding-DNA position 183, C replaced by G.
Protein change: p.Pro61=; no amino-acid change (proline 61 retained).
Molecular consequence: synonymous variant.
Genome position (GRCh38, 1-based): chr3:10,142,030, C>G. VCF-style: chr3-10142030-C-G. GRCh37 (hg19) VCF-style: chr3-10183714-C-G.
Other names: p.P61P:CCC>CCG; NM_000551.4(VHL):c.183C>G; p.Pro61=; c.183C>G, p.Pro61= (NM_001354723.2, NM_198156.3).
Identifiers: ClinVar variation 135951 (VCV000135951.84), dbSNP rs63650860, ClinGen allele CA020075.
Genomic context (GRCh38, chr3:10,142,030, plus strand): 5'-AGAGTCCGGCCCGGAGGAACTGGGCGCCGAGGAGGAGATGGAGGCCGGGCGGCCGCGGCC[C>G]GTGCTGCGCTCGGTGAACTCGCGCGAGCCCTCCCAGGTCATCTTCTGCAATCGCAGTCCG-3'
Protein context (NP_000542.1, residues 51-71): EEEMEAGRPR[Pro61=]VLRSVNSREP